The following is an entry in ClinVar:

ClinVar aggregate classification (germline): Likely pathogenic (1 of 4 stars; one submission).

Allele frequency attached by ClinVar (database versions not stated): gnomAD exomes below 0.00001.
gnomAD v4.1: 1 of 1,612,328 alleles (0.000062%); highest among the groups gnomAD compares: Non-Finnish European, 0.000085%; no homozygotes.

Submission:

GeneDx
Classification: Likely pathogenic. Last evaluated: 2022-11-15. Review status: criteria provided, single submitter. Criteria: GeneDx Variant Classification Process June 2021. Collection method: clinical testing. Allele origin: germline. Affected: yes.
Comment: Nonsense variant predicted to result in protein truncation or nonsense mediated decay in a gene for which loss of function is a known mechanism of disease; Not observed at significant frequency in large population cohorts (gnomAD); Has not been previously published as pathogenic or benign to our knowledge; Located in the A-band region of TTN in which the majority of loss of function variants have been associated with autosomal dominant titinopathies (Herman et al., 2012); This variant is associated with the following publications: (PMID: 22335739)

NM_001267550.2(TTN):c.48228G>A (p.Trp16076Ter)

Genes: TTN (titin; minus strand), TTN-AS1 (TTN antisense RNA 1; plus strand). Cytogenetic location: 2q31.2.
Variant type: single nucleotide variant.
Coding change: c.48228G>A on transcript NM_001267550.2 (MANE Select); coding-DNA position 48228, G replaced by A.
Protein change: p.Trp16076Ter; replaces tryptophan 16076 with a stop codon.
Molecular consequence: nonsense.
Genome position (GRCh38, 1-based): chr2:178,616,563, C>T on the plus strand (G>A on the coding strand, the complement: TTN is on the minus strand). VCF-style: chr2-178616563-C-T. GRCh37 (hg19) VCF-style: chr2-179481290-C-T.
Other names: c.43305G>A, p.Trp14435Ter (NM_001256850.1); c.21033G>A, p.Trp7011Ter (NM_003319.4); c.40524G>A, p.Trp13508Ter (NM_133378.4); c.21408G>A, p.Trp7136Ter (NM_133432.3); c.21609G>A, p.Trp7203Ter (NM_133437.4); short protein forms W13508*, W14435*, W16076*, W7011*, W7136*, W7203*.
Identifiers: ClinVar variation 2502115 (VCV002502115.1), dbSNP rs867476489, ClinGen allele CA60989399.